The following is an entry in ClinVar:

NM_007294.4(BRCA1):c.3326A>G (p.Lys1109Arg)

Genes: BRCA1 (BRCA1 DNA repair associated; minus strand), LOC126862571 (BRD4-independent group 4 enhancer GRCh37_chr17:41243136-41244335; plus strand). Cytogenetic location: 17q21.31.
Variant type: single nucleotide variant.
Coding change: c.3326A>G on transcript NM_007294.4 (MANE Select); coding-DNA position 3326, A replaced by G.
Protein change: p.Lys1109Arg; replaces lysine 1109 with arginine.
Molecular consequence: missense variant. On other transcripts: intron variant (137).
Genome position (GRCh38, 1-based): chr17:43,092,205, T>C on the plus strand (A>G on the coding strand, the complement: BRCA1 is on the minus strand). VCF-style: chr17-43092205-T-C. GRCh37 (hg19) VCF-style: chr17-41244222-T-C.
Other names: c.3326A>G, p.Lys1109Arg (NM_001407625.1, NM_001407626.1, NM_001407623.1 and 30 more transcripts); c.3323A>G, p.Lys1108Arg (NM_001407627.1, NM_001407628.1, NM_001407629.1 and 22 more transcripts); c.3317A>G, p.Lys1106Arg (NM_001407646.1, NM_001407647.1); c.3203A>G, p.Lys1068Arg (NM_001407648.1, NM_001407664.1, NM_001407665.1 and 19 more transcripts); c.3200A>G, p.Lys1067Arg (NM_001407649.1, NM_001407670.1, NM_001407671.1 and 11 more transcripts); c.3248A>G, p.Lys1083Arg (NM_001407653.1, NM_001407654.1, NM_001407655.1 and 4 more transcripts); c.3245A>G, p.Lys1082Arg (NM_001407659.1, NM_001407660.1, NM_001407661.1 and 1 more transcripts); c.3185A>G, p.Lys1062Arg (NM_001407692.1, NM_001407694.1, NM_001407695.1 and 29 more transcripts); and 41 more; short protein forms K1020R, K1021R, K1038R, K1039R, K1041R, K1042R, K1061R, K1062R.
Identifiers: ClinVar variation 2429538 (VCV002429538.3), dbSNP rs2154328754, ClinGen allele CA10595330.

ClinVar aggregate classification (germline): Conflicting classifications of pathogenicity. Review status: criteria provided, conflicting classifications (1 of 4 stars). 2 submissions from 2 submitters: Uncertain significance (1); Likely benign (1). Last evaluated 2023-03-23.

Conditions:
Hereditary cancer-predisposing syndrome. Also called: Neoplastic Syndromes, Hereditary; Hereditary neoplastic syndrome; Hereditary Cancer Syndrome; Tumor predisposition. Identifiers: Orphanet 140162, MedGen C0027672, MeSH D009386, MONDO:0015356.

Submissions (2):

University of Washington Department of Laboratory Medicine, University of Washington
Classification: Likely benign for Hereditary cancer-predisposing syndrome. Last evaluated: 2023-03-23. Review status: criteria provided, single submitter. Criteria: Dines et al. (Genet Med. 2020). Collection method: curation. Allele origin: germline.
Comment: Missense variant in a coldspot region where missense variants are very unlikely to be pathogenic (PMID:31911673).

BRCA1 coldspot (exon 11 using historical exon numbering). Reclassification based on statistical prior probability

GeneDx
Classification: Uncertain significance. Last evaluated: 2022-08-08. Review status: criteria provided, single submitter. Criteria: GeneDx Variant Classification Process June 2021. Collection method: clinical testing. Allele origin: germline. Affected: yes.
Comment: Not observed at significant frequency in large population cohorts (gnomAD); In silico analysis supports that this missense variant does not alter protein structure/function; Has not been previously published as pathogenic or benign to our knowledge; Also known as 3445A>G